The following is an entry in ClinVar:

NM_002439.5(MSH3):c.2657A>C (p.Glu886Ala)

Gene: MSH3 (mutS homolog 3; plus strand). Cytogenetic location: 5q14.1.
Variant type: single nucleotide variant.
Coding change: c.2657A>C on transcript NM_002439.5 (MANE Select); coding-DNA position 2657, A replaced by C.
Protein change: p.Glu886Ala; replaces glutamic acid 886 with alanine.
Molecular consequence: missense variant.
Genome position (GRCh38, 1-based): chr5:80,813,585, A>C. VCF-style: chr5-80813585-A-C. GRCh37 (hg19) VCF-style: chr5-80109404-A-C.
Other names: short protein forms E886A.
Identifiers: ClinVar variation 1047835 (VCV001047835.8), dbSNP rs1561486624, ClinGen allele CA360273801.

ClinVar aggregate classification (germline): Uncertain significance (1 of 4 stars; one submission).

Submission:

Labcorp Genetics (formerly Invitae), Labcorp
Classification: Uncertain significance. Last evaluated: 2024-05-06. Review status: criteria provided, single submitter. Criteria: Invitae Variant Classification Sherloc (09022015). Collection method: clinical testing. Allele origin: germline.
Comment: This sequence change replaces glutamic acid, which is acidic and polar, with alanine, which is neutral and non-polar, at codon 886 of the MSH3 protein (p.Glu886Ala). This variant is not present in population databases (gnomAD no frequency). This variant has not been reported in the literature in individuals affected with MSH3-related conditions. ClinVar contains an entry for this variant (Variation ID: 1047835). An algorithm developed to predict the effect of missense changes on protein structure and function (PolyPhen-2) suggests that this variant is likely to be tolerated. In summary, the available evidence is currently insufficient to determine the role of this variant in disease. Therefore, it has been classified as a Variant of Uncertain Significance.